The following is an entry in ClinVar:

NM_003632.3(CNTNAP1):c.2401A>G (p.Ile801Val)

Gene: CNTNAP1 (contactin associated protein 1; plus strand). Cytogenetic location: 17q21.2.
Variant type: single nucleotide variant.
Coding change: c.2401A>G on transcript NM_003632.3 (MANE Select); coding-DNA position 2401, A replaced by G.
Protein change: p.Ile801Val; replaces isoleucine 801 with valine.
Molecular consequence: missense variant.
Genome position (GRCh38, 1-based): chr17:42,691,862, A>G. VCF-style: chr17-42691862-A-G. GRCh37 (hg19) VCF-style: chr17-40843880-A-G.
Other names: c.2401A>G (NM_003632.2); short protein forms I801V.
Identifiers: ClinVar variation 1981245 (VCV001981245.5), dbSNP rs758640560, ClinGen allele CA8582048.

ClinVar aggregate classification (germline): Uncertain significance. Review status: criteria provided, multiple submitters, no conflicts (2 of 4 stars). 2 submissions from 2 submitters: Uncertain significance (2). Last evaluated 2025-03-31.

Conditions:
Inborn genetic diseases. Identifiers: MedGen C0950123, MeSH D030342.

Allele frequency attached by ClinVar (database versions not stated): ExAC 0.00002; TOPMed 0.00003.
gnomAD v4.1: 52 of 1,613,836 alleles (0.0032%); highest among the groups gnomAD compares: Middle Eastern, 0.016%; no homozygotes.

Submissions (2):

Labcorp Genetics (formerly Invitae), Labcorp
Classification: Uncertain significance. Last evaluated: 2025-03-31. Review status: criteria provided, single submitter. Criteria: Invitae Variant Classification Sherloc (09022015). Collection method: clinical testing. Allele origin: germline.
Comment: This sequence change replaces isoleucine, which is neutral and non-polar, with valine, which is neutral and non-polar, at codon 801 of the CNTNAP1 protein (p.Ile801Val). This variant is present in population databases (rs758640560, gnomAD 0.004%). This variant has not been reported in the literature in individuals affected with CNTNAP1-related conditions. ClinVar contains an entry for this variant (Variation ID: 1981245). An algorithm developed to predict the effect of missense changes on protein structure and function outputs the following: PolyPhen-2: "Benign". The valine amino acid residue is found in multiple mammalian species, which suggests that this missense change does not adversely affect protein function. In summary, the available evidence is currently insufficient to determine the role of this variant in disease. Therefore, it has been classified as a Variant of Uncertain Significance.

Ambry Genetics
Classification: Uncertain significance for Inborn genetic diseases. Last evaluated: 2024-08-28. Review status: criteria provided, single submitter. Criteria: Ambry Variant Classification Scheme 2023. Collection method: clinical testing. Allele origin: germline.